The following is an entry in ClinVar:

ClinVar aggregate classification (germline): Pathogenic. Review status: reviewed by expert panel (3 of 4 stars). 17 submissions from 17 submitters: Pathogenic (1). 16 of the submissions do not count toward it. Last evaluated 2016-09-08.

Conditions:
Inherited ovarian cancer (without breast cancer).
Pancreatic cancer, susceptibility to, 2. Identifiers: Orphanet 1333, MedGen C3150546, MONDO:0013235, OMIM 613347.
Glioma susceptibility 3 (GLM3). Also called: Glioblastoma 3. Identifiers: Orphanet 182067, Orphanet 360, MedGen C2751641, MONDO:0013093, OMIM 613029.
Familial prostate cancer. Also called: Hereditary Prostate Cancer. Identifiers: MedGen C2931456, MONDO:0700275, OMIM 176807.
Breast-ovarian cancer, familial, susceptibility to, 2 (BROVCA2). Also called: BRCA2 Hereditary Breast and Ovarian Cancer. Identifiers: Orphanet 145, MedGen C2675520, MONDO:0012933, OMIM 612555. Disease mechanism: loss of function.
Fanconi anemia complementation group D1. Also called: BRCA2-Related Fanconi Anemia. Identifiers: Orphanet 319462, MedGen C1838457, MONDO:0011584, OMIM 605724.
Medulloblastoma (MDB). Also called: Medulloblastoma, somatic; MEDULLOBLASTOMA PREDISPOSITION SYNDROME. Identifiers: Orphanet 616, MedGen C0025149, MeSH D008527, MONDO:0007959, OMIM 155255, HP:0002885.
Wilms tumor 1 (WT1). Also called: Wilms tumor, somatic. Identifiers: Orphanet 654, MedGen CN033288, MONDO:0008679, OMIM 194070.
Familial cancer of breast. Also called: BREAST CANCER, FAMILIAL; hereditary breast carcinoma; Hereditary breast cancer. Identifiers: Orphanet 227535, MedGen C0346153, MONDO:0016419, OMIM 114480. Disease mechanism: loss of function.
Hereditary cancer-predisposing syndrome. Also called: Neoplastic Syndromes, Hereditary; Tumor predisposition; Hereditary Cancer Syndrome; Hereditary neoplastic syndrome. Identifiers: Orphanet 140162, MedGen C0027672, MeSH D009386, MONDO:0015356.
Hereditary breast ovarian cancer syndrome. Also called: Breast and ovarian cancer; Hereditary breast and ovarian cancer; Hereditary breast and ovarian cancer syndrome (HBOC); Hereditary breast and ovarian cancer syndrome; BRCA1- and BRCA2-Associated Hereditary Breast and Ovarian Cancer; Hereditary breast and/or ovarian cancer syndrome. Identifiers: Orphanet 145, MedGen C0677776, MeSH D061325, MONDO:0003582. Disease mechanism: loss of function.

Submissions 1 to 9 of 17:

Evidence-based Network for the Interpretation of Germline Mutant Alleles (ENIGMA)
Classification: Pathogenic for Breast-ovarian cancer, familial, susceptibility to, 2. Last evaluated: 2016-09-08. Review status: reviewed by expert panel. Criteria: ENIGMA BRCA1/2 Classification Criteria (2015). Collection method: curation. Allele origin: germline.
Comment: Variant allele predicted to encode a truncated non-functional protein.

Labcorp Genetics (formerly Invitae), Labcorp
Classification: Pathogenic for Hereditary breast ovarian cancer syndrome. Last evaluated: 2025-11-17. Review status: criteria provided, single submitter. Criteria: Invitae Variant Classification Sherloc (09022015). Collection method: clinical testing. Allele origin: germline. Not counted in ClinVar's aggregate classification.
Comment: This sequence change creates a premature translational stop signal (p.Ser1764Lysfs*3) in the BRCA2 gene. It is expected to result in an absent or disrupted protein product. Loss-of-function variants in BRCA2 are known to be pathogenic (PMID: 20104584). This variant is present in population databases (rs80359503, gnomAD 0.0009%). This premature translational stop signal has been observed in individual(s) with a personal and/or family history of breast and/or ovarian cancers (PMID: 11972384, 23479189, 24504028). For these reasons, this variant has been classified as Pathogenic.

Cambridge Genomics Laboratory, East Genomic Laboratory Hub, NHS Genomic Medicine Service
Classification: Pathogenic for Inherited ovarian cancer (without breast cancer). Last evaluated: 2025-05-19. Review status: criteria provided, single submitter. Criteria: ACGS Best Practice Guidelines for Variant Classification in Rare Disease 2020. Collection method: clinical testing. Allele origin: germline. Affected: yes. Not counted in ClinVar's aggregate classification.
Comment: PVS1,PM2_Supporting,PM5_Strong

Ambry Genetics
Classification: Pathogenic for Hereditary cancer-predisposing syndrome. Last evaluated: 2025-01-08. Review status: criteria provided, single submitter. Criteria: Ambry Variant Classification Scheme 2023. Collection method: clinical testing. Allele origin: germline. Not counted in ClinVar's aggregate classification.
Comment: The c.5290_5291delTC pathogenic mutation, located in coding exon 10 of the BRCA2 gene, results from a deletion of two nucleotides at nucleotide positions 5290 to 5291, causing a translational frameshift with a predicted alternate stop codon (p.S1764Kfs*3). This alteration has been reported in multiple individuals diagnosed with breast and/or ovarian cancer (Kauff ND et al. Cancer 2003; 97:1601-8; Lubinski J et al. Fam. Cancer 2004; 3:1-10; Song H et al. Hum. Mol. Genet., 2014 Sep;23:4703-9; Yadav S et al. J Clin Oncol, 2020 05;38:1409-1418). This alteration was also identified in a large, worldwide study of BRCA1/2 mutation positive families (Rebbeck TR et al. Hum Mutat, 2018 05;39:593-620). Of note, this alteration is also designated as 5518delTC in published literature. In addition to the clinical data presented in the literature, this alteration is expected to result in loss of function by premature protein truncation or nonsense-mediated mRNA decay. As such, this alteration is interpreted as a disease-causing mutation.

Fulgent Genetics
Classification: Pathogenic for Familial cancer of breast; Medulloblastoma; Familial prostate cancer; Wilms tumor 1; Fanconi anemia complementation group D1; Breast-ovarian cancer, familial, susceptibility to, 2; Glioma susceptibility 3; Pancreatic cancer, susceptibility to, 2. Last evaluated: 2024-04-16. Review status: criteria provided, single submitter. Criteria: ACMG Guidelines, 2015. Collection method: clinical testing. Allele origin: germline. Not counted in ClinVar's aggregate classification.

Women's Health and Genetics/Laboratory Corporation of America, LabCorp
Classification: Pathogenic for Hereditary breast ovarian cancer syndrome. Last evaluated: 2022-11-10. Review status: criteria provided, single submitter. Criteria: LabCorp Variant Classification Summary - May 2015. Collection method: clinical testing. Allele origin: germline. Not counted in ClinVar's aggregate classification.
Comment: Variant summary: BRCA2 c.5290_5291delTC (p.Ser1764LysfsX3) results in a premature termination codon, predicted to cause a truncation of the encoded protein or absence of the protein due to nonsense mediated decay, which are commonly known mechanisms for disease. Truncations downstream of this position have been classified as pathogenic by our laboratory. The variant allele was found at a frequency of 4e-06 in 250306 control chromosomes (gnomAD). c.5290_5291delTC has been reported in the literature in multiple individuals with a personal and/or family history of breast and/or ovarian cancer (e.g. Reedy_2002, Lubinski_2004, Jimenez_2013, Cunningham_2014, Li_2018, Rebbeck_2018, Dorling_2021). These data indicate that the variant is very likely to be associated with disease. To our knowledge, no experimental evidence demonstrating an impact on protein function has been reported. Eight other submitters, including an expert panel (ENIGMA), have provided clinical-significance assessments for this variant in ClinVar after 2014, and all of them classified the variant as pathogenic. Based on the evidence outlined above, the variant was classified as pathogenic.

Baylor Genetics
Classification: Pathogenic for Familial cancer of breast. Last evaluated: 2022-05-31. Review status: criteria provided, single submitter. Criteria: ACMG Guidelines, 2015. Collection method: clinical testing. Allele origin: unknown. Not counted in ClinVar's aggregate classification.

Quest Diagnostics Nichols Institute San Juan Capistrano
Classification: Pathogenic. Last evaluated: 2022-03-15. Review status: criteria provided, single submitter. Criteria: Quest Diagnostics criteria. Collection method: clinical testing. Allele origin: unknown. Not counted in ClinVar's aggregate classification.
Comment: This frameshift variant alters the translational reading frame of the BRCA2 mRNA and causes the premature termination of BRCA2 protein synthesis. The frequency of this variant in the general population, 0.0000088 (1/113118 chromosomes), is consistent with pathogenicity. In the published literature, the variant has been reported in multiple individuals with hereditary breast (PMID: 15131399 (2004), 23479189 (2013), 33471991 (2021)) or ovarian cancer (PMID: 11972384 (2002), 24504028 (2014), 24728189 (2014), 30078507 (2018)). Based on the available information, this variant is classified as pathogenic.

GeneDx
Classification: Pathogenic. Last evaluated: 2022-01-19. Review status: criteria provided, single submitter. Criteria: GeneDx Variant Classification Process June 2021. Collection method: clinical testing. Allele origin: germline. Affected: yes. Not counted in ClinVar's aggregate classification.
Comment: Frameshift variant predicted to result in protein truncation or nonsense mediated decay in a gene for which loss-of-function is a known mechanism of disease; Truncating variants in this gene are considered pathogenic by a well-established clinical consortium and/or database; Not observed at significant frequency in large population cohorts (gnomAD); Observed in individuals with personal or family history of BRCA2-related cancers (Reedy 2002, Kauff 2003, Lubinski 2004, Song 2014, Li 2018); Also known as 5518delTC and 5514delTC; This variant is associated with the following publications: (PMID: 15131399, 11972384, 23479189, 24728189, 24504028, 12655515, 30720243, 30078507, 30309722, 30787465, 33087929)

NM_000059.4(BRCA2):c.5290_5291del (p.Ser1764fs)

Gene: BRCA2 (BRCA2 DNA repair associated; plus strand). Cytogenetic location: 13q13.1.
Variant type: Microsatellite.
Coding change: c.5290_5291del on transcript NM_000059.4 (MANE Select); coding-DNA positions 5290 to 5291, 2 bases deleted (TC; older notation c.5290_5291delTC).
Protein change: p.Ser1764fs; shifts the reading frame from serine 1764.
Molecular consequence: frameshift variant.
Genome position (GRCh38, 1-based): chr13:32,339,645-32,339,646, TC deleted; deleting any 2 consecutive bases within chr13:32,339,641-32,339,646 gives the same sequence; the c. name uses the placement nearest the transcript's 3' end. VCF-style (leftmost placement, unchanged base first): chr13-32339640-ATC-A. GRCh37 (hg19) VCF-style: chr13-32913777-ATC-A.
Other names: 5518delTC; c.5290_5291delTC (NM_000059.3); short protein forms S1764fs.
Identifiers: ClinVar variation 37956 (VCV000037956.35), dbSNP rs80359503, ClinGen allele CA021961.